The following is an entry in ClinVar:

ClinVar aggregate classification (germline): Uncertain significance. Review status: criteria provided, multiple submitters, no conflicts (2 of 4 stars). 3 submissions from 3 submitters: Uncertain significance (3). Last evaluated 2025-09-15.

Conditions:
Congenital contractural arachnodactyly (CCA). Also called: BEALS SYNDROME; Beals-Hecht syndrome; Arthrogryposis, distal, type 9. Identifiers: Orphanet 115, MedGen C0220668, MONDO:0007363, OMIM 121050.

gnomAD v4.1: 4 of 1,614,118 alleles (0.00025%); highest among the groups gnomAD compares: East Asian, 0.0089%; no homozygotes.

Submissions (3):

Labcorp Genetics (formerly Invitae), Labcorp
Classification: Uncertain significance for Congenital contractural arachnodactyly. Last evaluated: 2025-09-15. Review status: criteria provided, single submitter. Criteria: Invitae Variant Classification Sherloc (09022015). Collection method: clinical testing. Allele origin: germline.
Comment: This sequence change replaces alanine, which is neutral and non-polar, with glutamic acid, which is acidic and polar, at codon 1031 of the FBN2 protein (p.Ala1031Glu). This variant is not present in population databases (gnomAD no frequency). This variant has not been reported in the literature in individuals affected with FBN2-related conditions. ClinVar contains an entry for this variant (Variation ID: 1398927). Invitae Evidence Modeling of protein sequence and biophysical properties (such as structural, functional, and spatial information, amino acid conservation, physicochemical variation, residue mobility, and thermodynamic stability) indicates that this missense variant is not expected to disrupt FBN2 protein function with a negative predictive value of 80%. In summary, the available evidence is currently insufficient to determine the role of this variant in disease. Therefore, it has been classified as a Variant of Uncertain Significance.

GeneDx
Classification: Uncertain significance. Last evaluated: 2023-12-02. Review status: criteria provided, single submitter. Criteria: GeneDx Variant Classification Process June 2021. Collection method: clinical testing. Allele origin: germline. Affected: yes.
Comment: Has not been previously published as pathogenic or benign to our knowledge; Not observed at significant frequency in large population cohorts (gnomAD); In silico analysis supports that this missense variant has a deleterious effect on protein structure/function

Blueprint Genetics
Classification: Uncertain significance. Last evaluated: 2019-01-02. Review status: criteria provided, single submitter. Criteria: ACMG Guidelines, 2015. Collection method: clinical testing. Allele origin: germline.

NM_001999.4(FBN2):c.3092C>A (p.Ala1031Glu)

Genes: FBN2 (fibrillin 2; minus strand), LOC126807501 (BRD4-independent group 4 enhancer GRCh37_chr5:127680731-127681930; plus strand). Cytogenetic location: 5q23.3.
Variant type: single nucleotide variant.
Coding change: c.3092C>A on transcript NM_001999.4 (MANE Select); coding-DNA position 3092, C replaced by A.
Protein change: p.Ala1031Glu; replaces alanine 1031 with glutamic acid.
Molecular consequence: missense variant.
Genome position (GRCh38, 1-based): chr5:128,345,482, G>T on the plus strand (C>A on the coding strand, the complement: FBN2 is on the minus strand). VCF-style: chr5-128345482-G-T. GRCh37 (hg19) VCF-style: chr5-127681174-G-T.
Other names: c.3092C>A (NM_001999.3); short protein forms A1031E.
Identifiers: ClinVar variation 1398927 (VCV001398927.11), dbSNP rs754884110, ClinGen allele CA360763308.
Genomic context (GRCh38, chr5:128,345,482, plus strand): 5'-AGCGTCTCGTATTCCTTGGTGCCAGGTTTGGGGCACTCCTCACACTCGGTGCCCCAAGCC[G>T]CCCCGACAGCACAGCAGCAGGCATCCATGCGGAACTTTCCAGGAACGGGGTGGATGCATT-3'
Protein context (NP_001990.2, residues 1021-1041): RMDACCCAVG[Ala1031Glu]AWGTECEECP